The following is an entry in ClinVar:

NM_000179.3(MSH6):c.807T>C (p.Thr269=)

Gene: MSH6 (mutS homolog 6; plus strand). Cytogenetic location: 2p16.3.
Variant type: single nucleotide variant.
Coding change: c.807T>C on transcript NM_000179.3 (MANE Select); coding-DNA position 807, T replaced by C.
Protein change: p.Thr269=; no amino-acid change (threonine 269 retained).
Molecular consequence: synonymous variant. On other transcripts: 5 prime UTR variant (2).
Genome position (GRCh38, 1-based): chr2:47,798,790, T>C. VCF-style: chr2-47798790-T-C. GRCh37 (hg19) VCF-style: chr2-48025929-T-C.
Other names: c.417T>C, p.Thr139= (NM_001281492.2); c.-100T>C (NM_001281493.2, NM_001281494.2).
Identifiers: ClinVar variation 388081 (VCV000388081.13), dbSNP rs1057522991, ClinGen allele CA16604576.

ClinVar aggregate classification (germline): Benign/Likely benign. Review status: criteria provided, multiple submitters, no conflicts (2 of 4 stars). 3 submissions from 3 submitters: Benign (1); Likely benign (2). Last evaluated 2024-12-20.

Conditions:
Hereditary nonpolyposis colorectal neoplasms. Identifiers: MedGen C0009405, MeSH D003123.
Lynch syndrome 5 (LYNCH5). Also called: Hereditary non-polyposis colorectal cancer, type 5; Colorectal cancer, hereditary nonpolyposis, type 5. Identifiers: Orphanet 144, MedGen C1833477, MONDO:0013710, OMIM 614350. Disease mechanism: loss of function.

Submissions (3):

Myriad Genetics, Inc.
Classification: Benign for Lynch syndrome 5. Last evaluated: 2024-12-20. Review status: criteria provided, single submitter. Criteria: Myriad Autosomal Dominant, Autosomal Recessive and X-Linked Classification Criteria (2023). Collection method: clinical testing. Allele origin: unknown.
Comment: This variant is considered benign. This variant is a silent/synonymous amino acid change and it is not expected to impact splicing.

Labcorp Genetics (formerly Invitae), Labcorp
Classification: Likely benign for Hereditary nonpolyposis colorectal neoplasms. Last evaluated: 2024-04-30. Review status: criteria provided, single submitter. Criteria: Invitae Variant Classification Sherloc (09022015). Collection method: clinical testing. Allele origin: germline.

GeneDx
Classification: Likely benign. Last evaluated: 2016-07-25. Review status: criteria provided, single submitter. Criteria: GeneDx Variant Classification (06012015). Collection method: clinical testing. Allele origin: germline. Affected: yes.
Comment: This variant is considered likely benign or benign based on one or more of the following criteria: it is a conservative change, it occurs at a poorly conserved position in the protein, it is predicted to be benign by multiple in silico algorithms, and/or has population frequency not consistent with disease.